The following is an entry in ClinVar:

NM_004655.4(AXIN2):c.180T>A (p.Asp60Glu)

Gene: AXIN2 (axin 2; minus strand). Cytogenetic location: 17q24.1.
Variant type: single nucleotide variant.
Coding change: c.180T>A on transcript NM_004655.4 (MANE Select); coding-DNA position 180, T replaced by A.
Protein change: p.Asp60Glu; replaces aspartic acid 60 with glutamic acid.
Molecular consequence: missense variant.
Genome position (GRCh38, 1-based): chr17:65,558,441, A>T on the plus strand (T>A on the coding strand, the complement: AXIN2 is on the minus strand). VCF-style: chr17-65558441-A-T. GRCh37 (hg19) VCF-style: chr17-63554559-A-T.
Other names: c.180T>A, p.Asp60Glu (NM_001363813.1); c.180T>A (NM_004655.3); short protein forms D60E.
Identifiers: ClinVar variation 1040763 (VCV001040763.9), dbSNP rs2044308006, ClinGen allele CA400681952.

ClinVar aggregate classification (germline): Uncertain significance. Review status: criteria provided, multiple submitters, no conflicts (2 of 4 stars). 2 submissions from 2 submitters: Uncertain significance (2). Last evaluated 2023-10-13.

Conditions:
Hereditary cancer-predisposing syndrome. Also called: Hereditary Cancer Syndrome; Tumor predisposition; Hereditary neoplastic syndrome; Neoplastic Syndromes, Hereditary. Identifiers: Orphanet 140162, MedGen C0027672, MeSH D009386, MONDO:0015356.
Oligodontia-cancer predisposition syndrome. Also called: TOOTH AGENESIS-COLORECTAL CANCER SYNDROME. Identifiers: Orphanet 300576, MedGen C1837750, MONDO:0012075, OMIM 608615. Disease mechanism: loss of function.

Submissions (2):

Ambry Genetics
Classification: Uncertain significance for Hereditary cancer-predisposing syndrome. Last evaluated: 2023-10-13. Review status: criteria provided, single submitter. Criteria: Ambry Variant Classification Scheme 2023. Collection method: clinical testing. Allele origin: germline.
Comment: The p.D60E variant (also known as c.180T>A), located in coding exon 1 of the AXIN2 gene, results from a T to A substitution at nucleotide position 180. The aspartic acid at codon 60 is replaced by glutamic acid, an amino acid with highly similar properties. This amino acid position is conserved. In addition, this alteration is predicted to be tolerated by in silico analysis. Since supporting evidence is limited at this time, the clinical significance of this alteration remains unclear.

Labcorp Genetics (formerly Invitae), Labcorp
Classification: Uncertain significance for Oligodontia-cancer predisposition syndrome. Last evaluated: 2020-08-27. Review status: criteria provided, single submitter. Criteria: Invitae Variant Classification Sherloc (09022015). Collection method: clinical testing. Allele origin: germline.
Comment: This sequence change replaces aspartic acid with glutamic acid at codon 60 of the AXIN2 protein (p.Asp60Glu). The aspartic acid residue is moderately conserved and there is a small physicochemical difference between aspartic acid and glutamic acid. This variant is not present in population databases (ExAC no frequency). This variant has not been reported in the literature in individuals with AXIN2-related conditions. Algorithms developed to predict the effect of missense changes on protein structure and function are either unavailable or do not agree on the potential impact of this missense change (SIFT: "Tolerated"; PolyPhen-2: "Possibly Damaging"; Align-GVGD: "Class C0"). In summary, the available evidence is currently insufficient to determine the role of this variant in disease. Therefore, it has been classified as a Variant of Uncertain Significance.